The following is an entry in ClinVar:

NM_001128840.3(CACNA1D):c.6352G>T (p.Asp2118Tyr)

Gene: CACNA1D (calcium voltage-gated channel subunit alpha1 D; plus strand). Cytogenetic location: 3p21.1.
Variant type: single nucleotide variant.
Coding change: c.6352G>T on transcript NM_001128840.3 (MANE Select); coding-DNA position 6352, G replaced by T.
Protein change: p.Asp2118Tyr; replaces aspartic acid 2118 with tyrosine.
Molecular consequence: missense variant.
Genome position (GRCh38, 1-based): chr3:53,811,272, G>T. VCF-style: chr3-53811272-G-T. GRCh37 (hg19) VCF-style: chr3-53845299-G-T.
Other names: c.6412G>T, p.Asp2138Tyr (NM_000720.4); c.6280G>T, p.Asp2094Tyr (NM_001128839.3); short protein forms D2118Y, D2094Y, D2138Y.
Identifiers: ClinVar variation 1519170 (VCV001519170.8), dbSNP rs760811996, ClinGen allele CA353259301.

ClinVar aggregate classification (germline): Uncertain significance (1 of 4 stars; one submission).

Allele frequency attached by ClinVar (database versions not stated): gnomAD 0.00001.
gnomAD v4.1: 1 of 1,613,860 alleles (0.000062%); highest among the groups gnomAD compares: African/African-American, 0.0013%; no homozygotes.

Submission:

Labcorp Genetics (formerly Invitae), Labcorp
Classification: Uncertain significance. Last evaluated: 2023-11-13. Review status: criteria provided, single submitter. Criteria: Invitae Variant Classification Sherloc (09022015). Collection method: clinical testing. Allele origin: germline.
Comment: This sequence change replaces aspartic acid, which is acidic and polar, with tyrosine, which is neutral and polar, at codon 2138 of the CACNA1D protein (p.Asp2138Tyr). This variant is present in population databases (no rsID available, gnomAD 0.01%). This variant has not been reported in the literature in individuals affected with CACNA1D-related conditions. ClinVar contains an entry for this variant (Variation ID: 1519170). An algorithm developed to predict the effect of missense changes on protein structure and function (PolyPhen-2) suggests that this variant is likely to be tolerated. Algorithms developed to predict the effect of sequence changes on RNA splicing suggest that this variant may create or strengthen a splice site. In summary, the available evidence is currently insufficient to determine the role of this variant in disease. Therefore, it has been classified as a Variant of Uncertain Significance.